The following is an entry in ClinVar:

NM_016030.6(TRAPPC12):c.1932A>G (p.Thr644=)

Genes: TRAPPC12 (trafficking protein particle complex subunit 12; plus strand), TRAPPC12-AS1 (TRAPPC12 antisense RNA 1; minus strand). Cytogenetic location: 2p25.3.
Variant type: single nucleotide variant.
Coding change: c.1932A>G on transcript NM_016030.6 (MANE Select); coding-DNA position 1932, A replaced by G.
Protein change: p.Thr644=; no amino-acid change (threonine 644 retained).
Molecular consequence: synonymous variant. On other transcripts: non-coding transcript variant (1).
Genome position (GRCh38, 1-based): chr2:3,478,900, A>G. VCF-style: chr2-3478900-A-G. GRCh37 (hg19) VCF-style: chr2-3482671-A-G.
Other names: c.1932A>G, p.Thr644= (NM_001321102.2).
Identifiers: ClinVar variation 4822502 (VCV004822502.4).

ClinVar aggregate classification (germline): Likely benign (1 of 4 stars; one submission).

gnomAD v4.1: 2 of 1,614,194 alleles (0.00012%); highest among the groups gnomAD compares: Middle Eastern, 0.016%; no homozygotes.

Submission:

CeGaT Center for Human Genetics Tuebingen
Classification: Likely benign. Last evaluated: 2026-01-01. Review status: criteria provided, single submitter. Criteria: CeGaT Center For Human Genetics Tuebingen Variant Classification Criteria Version 2. Collection method: clinical testing. Allele origin: germline. Affected: yes. Observed: 1 variant allele.
Comment: TRAPPC12: BP4, BP7